The following is an entry in ClinVar:

NM_001458.5(FLNC):c.3987G>A (p.Leu1329=)

Gene: FLNC (filamin C; plus strand). Cytogenetic location: 7q32.1.
Variant type: single nucleotide variant.
Coding change: c.3987G>A on transcript NM_001458.5 (MANE Select); coding-DNA position 3987, G replaced by A.
Protein change: p.Leu1329=; no amino-acid change (leucine 1329 retained).
Molecular consequence: synonymous variant.
Genome position (GRCh38, 1-based): chr7:128,846,323, G>A. VCF-style: chr7-128846323-G-A. GRCh37 (hg19) VCF-style: chr7-128486377-G-A.
Other names: c.3987G>A, p.Leu1329= (NM_001127487.2).
Identifiers: ClinVar variation 514024 (VCV000514024.16), dbSNP rs374299121, ClinGen allele CA4475216.
Genomic context (GRCh38, chr7:128,846,323, plus strand): 5'-CACACTCCCTGATTGATGCCCCTGTGGCTGGCTTCCAGGCGTGCATCTGGTGGAGGTCCT[G>A]TATGATGAGGTCGCTGTGCCCAAGAGCCCCTTCCGAGTGGGCGTGACCGAGGGCTGTGAT-3'
Protein context (NP_001449.3, residues 1319-1339): YEEGVHLVEV[Leu1329=]YDEVAVPKSP

ClinVar aggregate classification (germline): Likely benign. Review status: criteria provided, multiple submitters, no conflicts (2 of 4 stars). 5 submissions from 5 submitters: Likely benign (5). Last evaluated 2026-07-17.

Conditions:
FLNC-related disorder. Also called: FLNC-related condition; FLNC-related disorders.
Cardiovascular phenotype. Identifiers: MedGen CN230736.
Hypertrophic cardiomyopathy 26. Also called: Cardiomyopathy, familial hypertrophic, 26. Identifiers: Orphanet 75249, MedGen C4310749, MONDO:0014883, OMIM 617047.
Myofibrillar myopathy 5. Also called: FILAMINOPATHY, AUTOSOMAL DOMINANT; Filaminopathy (type). Identifiers: Orphanet 171445, MedGen C1836050, MONDO:0012289, OMIM 609524.
Distal myopathy with posterior leg and anterior hand involvement. Also called: WILLIAMS DISTAL MYOPATHY. Identifiers: Orphanet 63273, MedGen C3279722, MONDO:0013550, OMIM 614065.

Allele frequency attached by ClinVar (database versions not stated): TOPMed 0.00001; ExAC 0.00003; gnomAD exomes 0.00004; ESP Exome Variant Server 0.00008; gnomAD 0.00001.
gnomAD v4.1: 63 of 1,613,730 alleles (0.0039%); highest among the groups gnomAD compares: Non-Finnish European, 0.0049%; no homozygotes.

Submissions (5):

PreventionGenetics, part of Exact Sciences
Classification: Likely benign for FLNC-related condition. Last evaluated: 2026-07-17. Review status: criteria provided, single submitter. Criteria: ACMG Guidelines, 2015. Collection method: clinical testing. Allele origin: germline.
Comment: This variant is classified as likely benign based on ACMG/AMP sequence variant interpretation guidelines (Richards et al. 2015 PMID: 25741868, with internal and published modifications).

Labcorp Genetics (formerly Invitae), Labcorp
Classification: Likely benign for Distal myopathy with posterior leg and anterior hand involvement; Myofibrillar myopathy 5; Hypertrophic cardiomyopathy 26. Last evaluated: 2026-01-24. Review status: criteria provided, single submitter. Criteria: Invitae Variant Classification Sherloc (09022015). Collection method: clinical testing. Allele origin: germline.

Women's Health and Genetics/Laboratory Corporation of America, LabCorp
Classification: Likely benign. Last evaluated: 2024-09-04. Review status: criteria provided, single submitter. Criteria: LabCorp Variant Classification Summary - May 2015. Collection method: clinical testing. Allele origin: germline.

Ambry Genetics
Classification: Likely benign for Cardiovascular phenotype. Last evaluated: 2022-06-02. Review status: criteria provided, single submitter. Criteria: Ambry Variant Classification Scheme 2023. Collection method: clinical testing. Allele origin: germline.

GeneDx
Classification: Likely benign. Last evaluated: 2017-12-14. Review status: criteria provided, single submitter. Criteria: GeneDx Variant Classification (06012015). Collection method: clinical testing. Allele origin: germline. Affected: yes.
Comment: This variant is considered likely benign or benign based on one or more of the following criteria: it is a conservative change, it occurs at a poorly conserved position in the protein, it is predicted to be benign by multiple in silico algorithms, and/or has population frequency not consistent with disease.